The following is an entry in ClinVar:

ClinVar aggregate classification (germline): Uncertain significance (1 of 4 stars; one submission).

Conditions:
Retinoblastoma (RB1). Also called: RETINOBLASTOMA, SOMATIC. Identifiers: Orphanet 790, MedGen C0035335, MeSH D012175, MONDO:0008380, OMIM 180200, HP:0009919. Disease mechanism: loss of function. Inheritance: Both sporadic and heritable forms are tested..

Allele frequency attached by ClinVar (database versions not stated): ExAC 0.00009.
gnomAD v4.1: 3 of 1,514,852 alleles (0.0002%); highest among the groups gnomAD compares: Middle Eastern, 0.046%; no homozygotes.

Submission:

Labcorp Genetics (formerly Invitae), Labcorp
Classification: Uncertain significance for Retinoblastoma. Last evaluated: 2026-01-12. Review status: criteria provided, single submitter. Criteria: Invitae Variant Classification Sherloc (09022015). Collection method: clinical testing. Allele origin: germline.
Comment: This variant occurs in a non-coding region of the RB1 gene. It does not change the encoded amino acid sequence of the RB1 protein. This variant is present in population databases (rs780264811, gnomAD 0.003%). This variant has not been reported in the literature in individuals affected with RB1-related conditions. ClinVar contains an entry for this variant (Variation ID: 2848407). In summary, the available evidence is currently insufficient to determine the role of this variant in disease. Therefore, it has been classified as a Variant of Uncertain Significance.

NM_000321.3(RB1):c.-15C>G

Gene: RB1 (RB transcriptional corepressor 1; plus strand). Cytogenetic location: 13q14.2.
Variant type: single nucleotide variant.
Coding change: c.-15C>G on transcript NM_000321.3 (MANE Select); 15 bases upstream of the start codon, C replaced by G.
Molecular consequence: 5 prime UTR variant.
Genome position (GRCh38, 1-based): chr13:48,303,898, C>G. VCF-style: chr13-48303898-C-G. GRCh37 (hg19) VCF-style: chr13-48878034-C-G.
Other names: c.-15C>G (NM_001407165.1, NM_001407166.1, NM_001407167.1).
Identifiers: ClinVar variation 2848407 (VCV002848407.3), dbSNP rs780264811, ClinGen allele CA029142.
Genomic context (GRCh38, chr13:48,303,898, plus strand): 5'-TGCCCCGACGTGCGCGCGCGTCGTCCTCCCCGGCGCTCCTCCACAGCTCGCTGGCTCCCG[C>G]CGCGGAAAGGCGTCATGCCGCCCAAAACCCCCCGAAAAACGGCCGCCACCGCCGCCGCTG-3'